The following is an entry in ClinVar:

ClinVar aggregate classification (germline): Uncertain significance (1 of 4 stars; one submission).

Conditions:
Hypertrophic cardiomyopathy. Also called: HYPERTROPHIC MYOCARDIOPATHY. Identifiers: Orphanet 217569, MedGen C0007194, MeSH D002312, MONDO:0005045, HP:0001639.

Submission:

Labcorp Genetics (formerly Invitae), Labcorp
Classification: Uncertain significance for Hypertrophic cardiomyopathy. Last evaluated: 2019-09-11. Review status: criteria provided, single submitter. Criteria: Invitae Variant Classification Sherloc (09022015). Collection method: clinical testing. Allele origin: germline.
Comment: In summary, the available evidence is currently insufficient to determine the role of this variant in disease. Therefore, it has been classified as a Variant of Uncertain Significance. Algorithms developed to predict the effect of missense changes on protein structure and function (SIFT, PolyPhen-2, Align-GVGD) all suggest that this variant is likely to be disruptive, but these predictions have not been confirmed by published functional studies and their clinical significance is uncertain. This variant has not been reported in the literature in individuals with MYBPC3-related conditions. This sequence change replaces glycine with glutamic acid at codon 1234 of the MYBPC3 protein (p.Gly1234Glu). The glycine residue is highly conserved and there is a moderate physicochemical difference between glycine and glutamic acid. This variant is not present in population databases (ExAC no frequency).

NM_000256.3(MYBPC3):c.3701G>A (p.Gly1234Glu)

Gene: MYBPC3 (myosin binding protein C3; minus strand). Cytogenetic location: 11p11.2.
Variant type: single nucleotide variant.
Coding change: c.3701G>A on transcript NM_000256.3 (MANE Select); coding-DNA position 3701, G replaced by A.
Protein change: p.Gly1234Glu; replaces glycine 1234 with glutamic acid.
Molecular consequence: missense variant.
Genome position (GRCh38, 1-based): chr11:47,332,185, C>T on the plus strand (G>A on the coding strand, the complement: MYBPC3 is on the minus strand). VCF-style: chr11-47332185-C-T. GRCh37 (hg19) VCF-style: chr11-47353736-C-T.
Other names: short protein forms G1234E.
Identifiers: ClinVar variation 938763 (VCV000938763.9), dbSNP rs2095877793, ClinGen allele CA380311291.